The following is an entry in ClinVar:

NM_000059.4(BRCA2):c.5487_5488del (p.Leu1829fs)

Gene: BRCA2 (BRCA2 DNA repair associated; plus strand). Cytogenetic location: 13q13.1.
Variant type: Deletion.
Coding change: c.5487_5488del on transcript NM_000059.4 (MANE Select); coding-DNA positions 5487 to 5488, 2 bases deleted (GT; older notation c.5487_5488delGT).
Protein change: p.Leu1829fs; shifts the reading frame from leucine 1829.
Molecular consequence: frameshift variant.
Genome position (GRCh38, 1-based): chr13:32,339,842-32,339,843, GT deleted; deleting any 2 consecutive bases within chr13:32,339,841-32,339,843 gives the same sequence; the c. name uses the placement nearest the transcript's 3' end. VCF-style (leftmost placement, unchanged base first): chr13-32339840-TTG-T. GRCh37 (hg19) VCF-style: chr13-32913977-TTG-T.
Other names: c.5487_5488delGT (NM_000059.3, NM_000059.4); short protein forms L1829fs.
Identifiers: ClinVar variation 371956 (VCV000371956.4), dbSNP rs1057517595, ClinGen allele CA16042141.

ClinVar aggregate classification (germline): Pathogenic. Review status: criteria provided, single submitter (1 of 4 stars). 2 submissions from 2 submitters: Pathogenic (1). 1 of the submissions does not count toward it. Last evaluated 2025-10-30.

Conditions:
Hereditary breast ovarian cancer syndrome. Also called: Hereditary breast and ovarian cancer; Hereditary breast and/or ovarian cancer syndrome; Hereditary breast and ovarian cancer syndrome (HBOC); Breast and ovarian cancer; BRCA1- and BRCA2-Associated Hereditary Breast and Ovarian Cancer; Hereditary breast and ovarian cancer syndrome. Identifiers: Orphanet 145, MedGen C0677776, MeSH D061325, MONDO:0003582. Disease mechanism: loss of function.
Breast-ovarian cancer, familial, susceptibility to, 2 (BROVCA2). Also called: BRCA2 Hereditary Breast and Ovarian Cancer. Identifiers: Orphanet 145, MedGen C2675520, MONDO:0012933, OMIM 612555. Disease mechanism: loss of function.

Submissions (2):

Women's Health and Genetics/Laboratory Corporation of America, LabCorp
Classification: Pathogenic for Hereditary breast ovarian cancer syndrome. Last evaluated: 2025-10-30. Review status: criteria provided, single submitter. Criteria: LabCorp Variant Classification Summary - May 2015. Collection method: clinical testing. Allele origin: germline.
Comment: Variant summary: BRCA2 c.5487_5488delGT (p.Leu1829PhefsX4) results in a premature termination codon, predicted to cause a truncation of the encoded protein or absence of the protein due to nonsense mediated decay, which are commonly known mechanisms for disease. The variant was absent in 251036 control chromosomes. To our knowledge, no occurrence of c.5487_5488delGT in individuals affected with BRCA2-related conditions and no experimental evidence demonstrating its impact on protein function have been reported. ClinVar contains an entry for this variant (Variation ID: 371956). Based on the evidence outlined above, the variant was classified as pathogenic.

Counsyl
Classification: Likely pathogenic for Breast-ovarian cancer, familial, susceptibility to, 2. Last evaluated: 2016-09-13. Review status: no assertion criteria provided. Collection method: clinical testing. Allele origin: unknown. Not counted in ClinVar's aggregate classification.